The following is an entry in ClinVar:

ClinVar aggregate classification (germline): Likely benign. Review status: criteria provided, multiple submitters, no conflicts (2 of 4 stars). 3 submissions from 3 submitters: Likely benign (3). Last evaluated 2025-12-24.

Conditions:
Wilson disease (WND). Also called: Wilson's disease. Identifiers: Orphanet 905, MedGen C0019202, MONDO:0010200, OMIM 277900. Disease mechanism: loss of function.

Allele frequency attached by ClinVar (database versions not stated): gnomAD exomes below 0.00001; TOPMed below 0.00001; gnomAD 0.00001.

Submissions (3):

Labcorp Genetics (formerly Invitae), Labcorp
Classification: Likely benign for Wilson disease. Last evaluated: 2025-12-24. Review status: criteria provided, single submitter. Criteria: Invitae Variant Classification Sherloc (09022015). Collection method: clinical testing. Allele origin: germline.

All of Us Research Program, National Institutes of Health
Classification: Likely benign for Wilson disease. Last evaluated: 2023-05-31. Review status: criteria provided, single submitter. Criteria: ACMG Guidelines, 2015. Collection method: clinical testing. Allele origin: germline. Inheritance: Autosomal recessive inheritance. Observed: 2 variant alleles, 2 heterozygotes.
Comment: This study involves interpretation of variants in research participants for the purpose of population health screening. Participant phenotype was not available at the time of variant classification. Additional details can be found in publication PMID: 35346344, PMCID: PMC8962531

Color Diagnostics, LLC DBA Color Health
Classification: Likely benign for Wilson disease. Last evaluated: 2022-04-28. Review status: criteria provided, single submitter. Criteria: ACMG Guidelines, 2015. Collection method: clinical testing. Allele origin: germline.

NM_000053.4(ATP7B):c.3042C>T (p.Pro1014=)

Gene: ATP7B (ATPase copper transporting beta; minus strand). Cytogenetic location: 13q14.3.
Variant type: single nucleotide variant.
Coding change: c.3042C>T on transcript NM_000053.4 (MANE Select); coding-DNA position 3042, C replaced by T.
Protein change: p.Pro1014=; no amino-acid change (proline 1014 retained).
Molecular consequence: synonymous variant.
Genome position (GRCh38, 1-based): chr13:51,946,302, G>A on the plus strand (C>T on the coding strand, the complement: ATP7B is on the minus strand). VCF-style: chr13-51946302-G-A. GRCh37 (hg19) VCF-style: chr13-52520438-G-A.
Other names: c.2421C>T, p.Pro807= (NM_001005918.3); c.2709C>T, p.Pro903= (NM_001243182.2); c.2808C>T, p.Pro936= (NM_001330578.2); c.2790C>T, p.Pro930= (NM_001330579.2).
Identifiers: ClinVar variation 456554 (VCV000456554.13), dbSNP rs1438628867, ClinGen allele CA483894871.
Genomic context (GRCh38, chr13:51,946,302, plus strand): 5'-CTTTCATCTCTCAGGATGGGGAAAGCCGTGCTACAGGCTGACCTTGTGCGCCATCTCCAG[G>A]GGCTTGCCTCCCTTGATGAGGATGCCGTTCTGCGCGGCCACCCCGGTGCCCACCATGACA-3'
Protein context (NP_000044.2, residues 1004-1024): QNGILIKGGK[Pro1014=]LEMAHKIKTV